The following is an entry in ClinVar:

ClinVar aggregate classification (germline): Benign/Likely benign. Review status: criteria provided, multiple submitters, no conflicts (2 of 4 stars). 10 submissions from 10 submitters: Benign (4); Likely benign (5). 1 of the submissions does not count toward it. Last evaluated 2026-02-03.

Conditions:
Hereditary cancer-predisposing syndrome. Also called: Tumor predisposition; Hereditary neoplastic syndrome; Hereditary Cancer Syndrome; Neoplastic Syndromes, Hereditary. Identifiers: Orphanet 140162, MedGen C0027672, MeSH D009386, MONDO:0015356.
Neuroblastoma, susceptibility to, 3. Also called: ALK-Related Neuroblastic Tumor Susceptibility. Identifiers: Orphanet 635, MedGen C2751681, MONDO:0013083, OMIM 613014.

Allele frequency attached by ClinVar (database versions not stated): gnomAD exomes 0.00032 and 0.00072; ExAC 0.00098; 1000 Genomes Project 0.00280; gnomAD 0.00285 and 0.00304; 1000 Genomes Project 30x 0.00297; TOPMed 0.00344; ESP Exome Variant Server 0.00415.
gnomAD v4.1: 920 of 1,614,014 alleles (0.057%); highest among the groups gnomAD compares: African/African-American, 1%; 5 homozygotes.

Submissions (10):

Labcorp Genetics (formerly Invitae), Labcorp
Classification: Benign for Neuroblastoma, susceptibility to, 3. Last evaluated: 2026-02-03. Review status: criteria provided, single submitter. Criteria: Invitae Variant Classification Sherloc (09022015). Collection method: clinical testing. Allele origin: germline.

CeGaT Center for Human Genetics Tuebingen
Classification: Likely benign. Last evaluated: 2025-09-01. Review status: criteria provided, single submitter. Criteria: CeGaT Center For Human Genetics Tuebingen Variant Classification Criteria Version 2. Collection method: clinical testing. Allele origin: germline. Affected: yes. Observed: 2 variant alleles.
Comment: ALK: BP4, BP7, BS1

Blueprint Genetics
Classification: Likely benign. Last evaluated: 2024-09-30. Review status: criteria provided, single submitter. Criteria: ACMG Guidelines, 2015. Collection method: clinical testing. Allele origin: germline.

ARUP Laboratories, Molecular Genetics and Genomics, ARUP Laboratories
Classification: Benign for Neuroblastoma, susceptibility to, 3. Last evaluated: 2024-03-20. Review status: criteria provided, single submitter. Criteria: ARUP Molecular Germline Variant Investigation Process 2024. Collection method: clinical testing. Allele origin: germline.

KCCC/NGS Laboratory, Kuwait Cancer Control Center
Classification: Benign for Neuroblastoma, susceptibility to, 3. Last evaluated: 2023-07-07. Review status: criteria provided, single submitter. Criteria: ACMG Guidelines, 2015. Collection method: clinical testing. Allele origin: germline. Affected: yes.

Ambry Genetics
Classification: Likely benign for Hereditary cancer-predisposing syndrome. Last evaluated: 2022-02-12. Review status: criteria provided, single submitter. Criteria: Ambry Variant Classification Scheme 2023. Collection method: clinical testing. Allele origin: germline.

Sema4
Classification: Benign for Hereditary cancer-predisposing syndrome. Last evaluated: 2020-11-08. Review status: criteria provided, single submitter. Criteria: Sema4 Curation Guidelines. Collection method: curation. Allele origin: germline.

GeneDx
Classification: Likely benign. Last evaluated: 2020-01-23. Review status: criteria provided, single submitter. Criteria: GeneDx Variant Classification Process June 2021. Collection method: clinical testing. Allele origin: germline. Affected: yes.

Breakthrough Genomics
Classification: Likely benign. Review status: criteria provided, single submitter. Criteria: ACMG Guidelines, 2015. Collection method: not provided. Allele origin: germline. Inheritance: Unknown mechanism. Affected: yes.

Genetic Services Laboratory, University of Chicago
Classification: Benign. Last evaluated: 2022-07-28. Review status: no assertion criteria provided. Collection method: clinical testing. Allele origin: germline. Affected: no. Not counted in ClinVar's aggregate classification.

NM_004304.5(ALK):c.2268C>T (p.Gly756=)

Gene: ALK (ALK receptor tyrosine kinase; minus strand). Cytogenetic location: 2p23.2.
Variant type: single nucleotide variant.
Coding change: c.2268C>T on transcript NM_004304.5 (MANE Select); coding-DNA position 2268, C replaced by T.
Protein change: p.Gly756=; no amino-acid change (glycine 756 retained).
Molecular consequence: synonymous variant.
Genome position (GRCh38, 1-based): chr2:29,239,767, G>A on the plus strand (C>T on the coding strand, the complement: ALK is on the minus strand). VCF-style: chr2-29239767-G-A. GRCh37 (hg19) VCF-style: chr2-29462633-G-A.
Identifiers: ClinVar variation 412906 (VCV000412906.31), dbSNP rs149853746, ClinGen allele CA1594374.